The following is an entry in ClinVar:

NM_002294.3(LAMP2):c.*3248G>A

Gene: LAMP2 (lysosome associated membrane protein 2; minus strand). Cytogenetic location: Xq24.
Variant type: single nucleotide variant.
Coding change: c.*3248G>A on transcript NM_002294.3 (MANE Select); 3248 bases downstream of the stop codon, G replaced by A.
Molecular consequence: 3 prime UTR variant.
Genome position (GRCh38, 1-based): chrX:120,428,075, C>T on the plus strand (G>A on the coding strand, the complement: LAMP2 is on the minus strand). VCF-style: chrX-120428075-C-T. GRCh37 (hg19) VCF-style: chrX-119561930-C-T.
Other names: c.*409G>A (NM_001122606.1).
Identifiers: ClinVar variation 367751 (VCV000367751.7), dbSNP rs5957380, ClinGen allele CA10653743.

ClinVar aggregate classification (germline): Benign/Likely benign. Review status: criteria provided, multiple submitters, no conflicts (2 of 4 stars). 3 submissions from 3 submitters: Benign (2); Likely benign (1). Last evaluated 2021-05-26.

Conditions:
Danon disease. Also called: ANTOPOL DISEASE; PSEUDOGLYCOGENOSIS II; GSD IIb; LYSOSOMAL GLYCOGEN STORAGE DISEASE WITHOUT ACID MALTASE DEFICIENCY; Glycogen Storage Disease Type IIb. Identifiers: Orphanet 34587, MedGen C0878677, MONDO:0010281, OMIM 300257.

Allele frequency attached by ClinVar (database versions not stated): gnomAD exomes 0.02264; gnomAD 0.09182 and 0.09812; 1000 Genomes Project 0.10040; 1000 Genomes Project 30x 0.10343; TOPMed 0.10590.
gnomAD v4.1: 10,199 of 113,062 alleles (9%); highest among the groups gnomAD compares: African/African-American, 31%; 1,120 homozygotes.

Submissions (3):

GeneDx
Classification: Benign. Last evaluated: 2021-05-26. Review status: criteria provided, single submitter. Criteria: GeneDx Variant Classification Process June 2021. Collection method: clinical testing. Allele origin: germline. Affected: yes.

Illumina Laboratory Services, Illumina
Classification: Benign for Danon disease. Last evaluated: 2018-01-13. Review status: criteria provided, single submitter. Criteria: ICSL Variant Classification Criteria 13 December 2019. Collection method: clinical testing. Allele origin: germline.
Comment: This variant was observed in the ICSL laboratory as part of a predisposition screen in an ostensibly healthy population. It had not been previously curated by ICSL or reported in the Human Gene Mutation Database (HGMD: prior to June 1st, 2018), and was therefore a candidate for classification through an automated scoring system. Utilizing variant allele frequency, disease prevalence and penetrance estimates, and inheritance mode, an automated score was calculated to assess if this variant is too frequent to cause the disease. Based on the score and internal cut-off values, a variant classified as benign is not then subjected to further curation. The score for this variant resulted in a classification of benign for this disease.

Breakthrough Genomics
Classification: Likely benign. Review status: criteria provided, single submitter. Criteria: ACMG Guidelines, 2015. Collection method: not provided. Allele origin: germline. Inheritance: X-linked inheritance. Affected: yes.